The following is an entry in ClinVar:

NM_001386795.1(DTNA):c.1253+54A>G

Gene: DTNA (dystrobrevin alpha; plus strand). Cytogenetic location: 18q12.1.
Variant type: single nucleotide variant.
Coding change: c.1253+54A>G on transcript NM_001386795.1 (MANE Select); 54 bases into the intron after coding-DNA position 1253, A replaced by G.
Molecular consequence: intron variant.
Genome position (GRCh38, 1-based): chr18:34,838,225, A>G. VCF-style: chr18-34838225-A-G. GRCh37 (hg19) VCF-style: chr18-32418189-A-G.
Other names: c.1095-10071A>G (NM_032975.4, NM_001386761.1, NM_001386762.1 and 1 more transcripts); c.1175+8736A>G (NM_001386754.1, NM_001386755.1, NM_001386760.1 and 5 more transcripts); c.1086-10071A>G (NM_001386763.1, NM_001386764.1, NM_001386768.1 and 13 more transcripts); c.604-13606A>G (NM_001198945.2); c.1253+54A>G (NM_001386788.1); c.1163+54A>G (NM_032978.7); c.1172+54A>G (NM_001390.5, NM_001391.5); c.336-10071A>G (NM_001198943.1); and 4 more.
Identifiers: ClinVar variation 671415 (VCV000671415.2), dbSNP rs73949007, ClinGen allele CA297776857.

ClinVar aggregate classification (germline): Benign. Review status: criteria provided, multiple submitters, no conflicts (2 of 4 stars). 2 submissions from 2 submitters: Benign (2). Last evaluated 2018-06-19.

Allele frequency attached by ClinVar (database versions not stated): gnomAD 0.03074 and 0.02884; TOPMed 0.03249; 1000 Genomes Project 0.03614; 1000 Genomes Project 30x 0.03919; gnomAD exomes 0.00309; ESP Exome Variant Server 0.02409.
gnomAD v4.1: 8,989 of 1,585,592 alleles (0.57%); highest among the groups gnomAD compares: African/African-American, 10%; 398 homozygotes.

Submissions (2):

GeneDx
Classification: Benign. Last evaluated: 2018-06-19. Review status: criteria provided, single submitter. Criteria: GeneDx Variant Classification (06012015). Collection method: clinical testing. Allele origin: germline. Affected: yes.
Comment: This variant is considered likely benign or benign based on one or more of the following criteria: it is a conservative change, it occurs at a poorly conserved position in the protein, it is predicted to be benign by multiple in silico algorithms, and/or has population frequency not consistent with disease.

Breakthrough Genomics
Classification: Benign. Review status: criteria provided, single submitter. Criteria: ACMG Guidelines, 2015. Collection method: not provided. Allele origin: germline. Inheritance: Autosomal dominant inheritance. Affected: yes.